The following is an entry in ClinVar:

NM_015425.6(POLR1A):c.780T>G (p.Ser260Arg)

Gene: POLR1A (RNA polymerase I subunit A; minus strand). Cytogenetic location: 2p11.2.
Variant type: single nucleotide variant.
Coding change: c.780T>G on transcript NM_015425.6 (MANE Select); coding-DNA position 780, T replaced by G.
Protein change: p.Ser260Arg; replaces serine 260 with arginine.
Molecular consequence: missense variant.
Genome position (GRCh38, 1-based): chr2:86,083,119, A>C on the plus strand (T>G on the coding strand, the complement: POLR1A is on the minus strand). VCF-style: chr2-86083119-A-C. GRCh37 (hg19) VCF-style: chr2-86310242-A-C.
Other names: short protein forms S260R.
Identifiers: ClinVar variation 3686938 (VCV003686938.2).

ClinVar aggregate classification (germline): Uncertain significance (1 of 4 stars; one submission).

gnomAD v4.1: 5 of 1,614,120 alleles (0.00031%); highest among the groups gnomAD compares: Admixed American, 0.0017%; no homozygotes.

Submission:

Labcorp Genetics (formerly Invitae), Labcorp
Classification: Uncertain significance. Last evaluated: 2025-06-12. Review status: criteria provided, single submitter. Criteria: Invitae Variant Classification Sherloc (09022015). Collection method: clinical testing. Allele origin: germline.
Comment: This sequence change replaces serine, which is neutral and polar, with arginine, which is basic and polar, at codon 260 of the POLR1A protein (p.Ser260Arg). This variant is not present in population databases (gnomAD no frequency). This variant has not been reported in the literature in individuals affected with POLR1A-related conditions. ClinVar contains an entry for this variant (Variation ID: 3686938). Invitae Evidence Modeling of protein sequence and biophysical properties (such as structural, functional, and spatial information, amino acid conservation, physicochemical variation, residue mobility, and thermodynamic stability) indicates that this missense variant is not expected to disrupt POLR1A protein function with a negative predictive value of 80%. Algorithms developed to predict the effect of sequence changes on RNA splicing suggest that this variant may disrupt the consensus splice site. In summary, the available evidence is currently insufficient to determine the role of this variant in disease. Therefore, it has been classified as a Variant of Uncertain Significance.